The following is an entry in ClinVar:

ClinVar aggregate classification (germline): Conflicting classifications of pathogenicity. Review status: criteria provided, conflicting classifications (1 of 4 stars). 3 submissions from 3 submitters: Uncertain significance (1); Likely benign (1). 1 of the submissions does not count toward it. Last evaluated 2025-09-22.

Conditions:
Greig cephalopolysyndactyly syndrome (GCPS). Also called: POLYSYNDACTYLY WITH PECULIAR SKULL SHAPE; Greig syndrome; GLI3-Related Greig Cephalopolysyndactyly Syndrome. Identifiers: Orphanet 380, MedGen C0265306, MONDO:0008287, OMIM 175700.
Pallister-Hall syndrome (PHS). Also called: HYPOTHALAMIC HAMARTOBLASTOMA, HYPOPITUITARISM, IMPERFORATE ANUS, AND POSTAXIAL POLYDACTYLY; GLI3-Related Pallister-Hall Syndrome. Identifiers: Orphanet 672, MedGen C0265220, MONDO:0007804, OMIM 146510.
GLI3-related disorder. Also called: GLI3-related condition; GLI3-related disorders. Identifiers: MedGen CN239292.
Inborn genetic diseases. Identifiers: MedGen C0950123, MeSH D030342.

gnomAD v4.1: 115 of 1,613,550 alleles (0.0071%); highest among the groups gnomAD compares: Non-Finnish European, 0.0094%; no homozygotes.

Submissions (3):

Ambry Genetics
Classification: Uncertain significance for Inborn genetic diseases. Last evaluated: 2025-09-22. Review status: criteria provided, single submitter. Criteria: Ambry Variant Classification Scheme 2023. Collection method: clinical testing. Allele origin: germline.

Labcorp Genetics (formerly Invitae), Labcorp
Classification: Likely benign for Pallister-Hall syndrome; Greig cephalopolysyndactyly syndrome. Last evaluated: 2025-02-10. Review status: criteria provided, single submitter. Criteria: Invitae Variant Classification Sherloc (09022015). Collection method: clinical testing. Allele origin: germline.

PreventionGenetics, part of Exact Sciences
Classification: Uncertain significance for GLI3-related condition. Last evaluated: 2024-03-14. Review status: no assertion criteria provided. Collection method: clinical testing. Allele origin: germline. Not counted in ClinVar's aggregate classification.
Comment: The GLI3 c.3167A>C variant is predicted to result in the amino acid substitution p.Gln1056Pro. To our knowledge, this variant has not been reported in the literature. This variant is reported in 0.0044% of alleles in individuals of European (Non-Finnish) descent in gnomAD. At this time, the clinical significance of this variant is uncertain due to the absence of conclusive functional and genetic evidence.

NM_000168.6(GLI3):c.3167A>C (p.Gln1056Pro)

Gene: GLI3 (GLI family zinc finger 3; minus strand). Cytogenetic location: 7p14.1.
Variant type: single nucleotide variant.
Coding change: c.3167A>C on transcript NM_000168.6 (MANE Select); coding-DNA position 3167, A replaced by C.
Protein change: p.Gln1056Pro; replaces glutamine 1056 with proline.
Molecular consequence: missense variant.
Genome position (GRCh38, 1-based): chr7:41,965,906, T>G on the plus strand (A>C on the coding strand, the complement: GLI3 is on the minus strand). VCF-style: chr7-41965906-T-G. GRCh37 (hg19) VCF-style: chr7-42005504-T-G.
Other names: short protein forms Q1056P.
Identifiers: ClinVar variation 3353303 (VCV003353303.3).